The following is an entry in ClinVar:

ClinVar aggregate classification (germline): Conflicting classifications of pathogenicity. Review status: criteria provided, conflicting classifications (1 of 4 stars). 4 submissions from 4 submitters: Uncertain significance (2); Likely benign (1). 1 of the submissions does not count toward it. Last evaluated 2025-12-20.

Conditions:
USH2A-related disorder. Also called: USH2A-related condition; USH2A-related disorders. Identifiers: MedGen CN239332.
Usher syndrome type 2A. Also called: RETINAL DISEASE IN USHER SYNDROME TYPE IIA, MODIFIER OF; USHER SYNDROME, TYPE IIA. Identifiers: Orphanet 231178, Orphanet 886, MedGen C1848634, MONDO:0010169, OMIM 276901.

Allele frequency attached by ClinVar (database versions not stated): gnomAD below 0.00001 and 0.00007; TOPMed 0.00003; gnomAD exomes 0.00018; ExAC 0.00019; 1000 Genomes Project 0.00060; 1000 Genomes Project 30x 0.00062.
gnomAD v4.1: 148 of 1,614,102 alleles (0.0092%); highest among the groups gnomAD compares: South Asian, 0.13%; 4 homozygotes.

Submissions (4):

Labcorp Genetics (formerly Invitae), Labcorp
Classification: Likely benign. Last evaluated: 2025-12-20. Review status: criteria provided, single submitter. Criteria: Invitae Variant Classification Sherloc (09022015). Collection method: clinical testing. Allele origin: germline.

PreventionGenetics, part of Exact Sciences
Classification: Uncertain significance for USH2A-related condition. Last evaluated: 2025-11-26. Review status: criteria provided, single submitter. Criteria: ACMG Guidelines, 2015. Collection method: clinical testing. Allele origin: germline.
Comment: The USH2A c.14512G>A variant is predicted to result in the amino acid substitution p.Gly4838Arg. To our knowledge, this variant has not been reported in the literature. This variant is reported in 0.14% of alleles in individuals of South Asian descent in gnomAD, which is likely too frequent to be a primary cause of disease. Although we suspect that this variant may be benign, at this time, the clinical significance of this variant is uncertain due to the absence of conclusive functional and genetic evidence.

Blueprint Genetics
Classification: Uncertain significance. Last evaluated: 2024-10-23. Review status: criteria provided, single submitter. Criteria: ACMG Guidelines, 2015. Collection method: clinical testing. Allele origin: germline.

Natera, Inc.
Classification: Likely benign for Usher syndrome type 2A. Last evaluated: 2020-08-27. Review status: no assertion criteria provided. Collection method: clinical testing. Allele origin: germline. Not counted in ClinVar's aggregate classification.

NM_206933.4(USH2A):c.14512G>A (p.Gly4838Arg)

Gene: USH2A (usherin; minus strand). Cytogenetic location: 1q41.
Variant type: single nucleotide variant.
Coding change: c.14512G>A on transcript NM_206933.4 (MANE Select); coding-DNA position 14512, G replaced by A.
Protein change: p.Gly4838Arg; replaces glycine 4838 with arginine.
Molecular consequence: missense variant.
Genome position (GRCh38, 1-based): chr1:215,648,598, C>T on the plus strand (G>A on the coding strand, the complement: USH2A is on the minus strand). VCF-style: chr1-215648598-C-T. GRCh37 (hg19) VCF-style: chr1-215821940-C-T.
Other names: short protein forms G4838R.
Identifiers: ClinVar variation 752932 (VCV000752932.14), dbSNP rs533097255, ClinGen allele CA1393007.